The following is an entry in ClinVar:

ClinVar aggregate classification (germline): Uncertain significance (1 of 4 stars; one submission).

gnomAD v4.1: 1 of 1,613,922 alleles (0.000062%); highest among the groups gnomAD compares: South Asian, 0.0011%; no homozygotes.

Submission:

Labcorp Genetics (formerly Invitae), Labcorp
Classification: Uncertain significance. Last evaluated: 2024-02-02. Review status: criteria provided, single submitter. Criteria: Invitae Variant Classification Sherloc (09022015). Collection method: clinical testing. Allele origin: germline.
Comment: This sequence change replaces cysteine, which is neutral and slightly polar, with serine, which is neutral and polar, at codon 454 of the EMC1 protein (p.Cys454Ser). This variant is not present in population databases (gnomAD no frequency). This variant has not been reported in the literature in individuals affected with EMC1-related conditions. Advanced modeling of protein sequence and biophysical properties (such as structural, functional, and spatial information, amino acid conservation, physicochemical variation, residue mobility, and thermodynamic stability) performed at Invitae indicates that this missense variant is not expected to disrupt EMC1 protein function with a negative predictive value of 80%. In summary, the available evidence is currently insufficient to determine the role of this variant in disease. Therefore, it has been classified as a Variant of Uncertain Significance.

NM_015047.3(EMC1):c.1360T>A (p.Cys454Ser)

Genes: EMC1 (ER membrane protein complex subunit 1; minus strand), EMC1-AS1 (EMC1 antisense RNA 1; plus strand). Cytogenetic location: 1p36.13.
Variant type: single nucleotide variant.
Coding change: c.1360T>A on transcript NM_015047.3 (MANE Select); coding-DNA position 1360, T replaced by A.
Protein change: p.Cys454Ser; replaces cysteine 454 with serine.
Molecular consequence: missense variant.
Genome position (GRCh38, 1-based): chr1:19,235,202, A>T on the plus strand (T>A on the coding strand, the complement: EMC1 is on the minus strand). VCF-style: chr1-19235202-A-T. GRCh37 (hg19) VCF-style: chr1-19561696-A-T.
Other names: c.1357T>A, p.Cys453Ser (NM_001271427.2, NM_001271428.2, NM_001375821.1); c.1294T>A, p.Cys432Ser (NM_001271429.2); c.1360T>A, p.Cys454Ser (NM_001375820.1); short protein forms C454S, C432S, C453S.
Identifiers: ClinVar variation 3638289 (VCV003638289.2).